The following is an entry in ClinVar:

NM_000059.4(BRCA2):c.6486A>G (p.Lys2162=)

Gene: BRCA2 (BRCA2 DNA repair associated; plus strand). Cytogenetic location: 13q13.1.
Variant type: single nucleotide variant.
Coding change: c.6486A>G on transcript NM_000059.4 (MANE Select); coding-DNA position 6486, A replaced by G.
Protein change: p.Lys2162=; no amino-acid change (lysine 2162 retained).
Molecular consequence: synonymous variant.
Genome position (GRCh38, 1-based): chr13:32,340,841, A>G. VCF-style: chr13-32340841-A-G. GRCh37 (hg19) VCF-style: chr13-32914978-A-G.
Identifiers: ClinVar variation 427474 (VCV000427474.7), dbSNP rs751023453, ClinGen allele CA6940961.

ClinVar aggregate classification (germline): Likely benign. Review status: reviewed by expert panel (3 of 4 stars). 3 submissions from 3 submitters: Likely benign (1). 2 of the submissions do not count toward it. Last evaluated 2017-06-29.

Conditions:
Hereditary cancer-predisposing syndrome. Also called: Hereditary neoplastic syndrome; Hereditary Cancer Syndrome; Neoplastic Syndromes, Hereditary; Tumor predisposition. Identifiers: Orphanet 140162, MedGen C0027672, MeSH D009386, MONDO:0015356.
Breast-ovarian cancer, familial, susceptibility to, 2 (BROVCA2). Also called: BRCA2 Hereditary Breast and Ovarian Cancer. Identifiers: Orphanet 145, MedGen C2675520, MONDO:0012933, OMIM 612555. Disease mechanism: loss of function.

Allele frequency attached by ClinVar (database versions not stated): gnomAD exomes below 0.00001 and 0.00001; ExAC 0.00002.

Submissions (3):

Evidence-based Network for the Interpretation of Germline Mutant Alleles (ENIGMA)
Classification: Likely benign for Breast-ovarian cancer, familial, susceptibility to, 2. Last evaluated: 2017-06-29. Review status: reviewed by expert panel. Criteria: ENIGMA BRCA1/2 Classification Criteria (2017-06-29). Collection method: curation. Allele origin: germline.
Comment: Synonymous substitution variant, with low bioinformatic likelihood to result in a splicing aberration (Splicing prior probability 0.02).

Ambry Genetics
Classification: Likely benign for Hereditary cancer-predisposing syndrome. Last evaluated: 2023-07-30. Review status: criteria provided, single submitter. Criteria: Ambry Variant Classification Scheme 2023. Collection method: clinical testing. Allele origin: germline. Not counted in ClinVar's aggregate classification.

Color Diagnostics, LLC DBA Color Health
Classification: Likely benign for Hereditary cancer-predisposing syndrome. Last evaluated: 2018-04-10. Review status: criteria provided, single submitter. Criteria: ACMG Guidelines, 2015. Collection method: clinical testing. Allele origin: germline. Not counted in ClinVar's aggregate classification.